The following is an entry in ClinVar:

NM_000382.3(ALDH3A2):c.28_29dup (p.Gln10fs)

Gene: ALDH3A2 (aldehyde dehydrogenase 3 family member A2; plus strand). Cytogenetic location: 17p11.2.
Variant type: Duplication.
Coding change: c.28_29dup on transcript NM_000382.3 (MANE Select); coding-DNA positions 28 to 29, 2 bases duplicated (CA; older notation c.28_29dupCA).
Protein change: p.Gln10fs; shifts the reading frame from glutamine 10.
Molecular consequence: frameshift variant. On other transcripts: 5 prime UTR variant (1).
Genome position (GRCh38, 1-based): chr17:19,648,999-19,649,000, CA duplicated; duplicating any 2 consecutive bases within chr17:19,648,998-19,649,000 gives the same sequence; the c. name uses the placement nearest the transcript's 3' end. VCF-style (leftmost placement, unchanged base first): chr17-19648997-G-GAC. GRCh37 (hg19) VCF-style: chr17-19552310-G-GAC.
Other names: c.28_29dup, p.Gln10fs (NM_001031806.2, NM_001369136.1, NM_001369137.2 and 3 more transcripts); c.-661_-660dup (NM_001369148.2); short protein forms Q10fs.
Identifiers: ClinVar variation 1370055 (VCV001370055.6), dbSNP rs753291303, ClinGen allele CA8442703.

ClinVar aggregate classification (germline): Pathogenic (1 of 4 stars; one submission).

Submission:

Labcorp Genetics (formerly Invitae), Labcorp
Classification: Pathogenic. Last evaluated: 2022-06-14. Review status: criteria provided, single submitter. Criteria: Invitae Variant Classification Sherloc (09022015). Collection method: clinical testing. Allele origin: germline.
Comment: For these reasons, this variant has been classified as Pathogenic. This variant has not been reported in the literature in individuals affected with ALDH3A2-related conditions. This variant is present in population databases (rs753291303, gnomAD 0.008%). This sequence change creates a premature translational stop signal (p.Gln10Hisfs*34) in the ALDH3A2 gene. It is expected to result in an absent or disrupted protein product. Loss-of-function variants in ALDH3A2 are known to be pathogenic (PMID: 10577908, 10854114).

Literature cited by the submitters: PubMed 10577908; PubMed 10854114.